The following is an entry in ClinVar:

ClinVar aggregate classification (germline): Uncertain significance (1 of 4 stars; one submission).

Conditions:
Dextro-looped transposition of the great arteries. Also called: Dextrotransposition of the great arteries. Identifiers: Orphanet 860, MedGen C3531771, MONDO:0019443, OMIM 608808, HP:0031348.

gnomAD v4.1: 21 of 1,613,842 alleles (0.0013%); highest among the groups gnomAD compares: East Asian, 0.02%; no homozygotes.

Submission:

Labcorp Genetics (formerly Invitae), Labcorp
Classification: Uncertain significance for Dextro-looped transposition of the great arteries. Last evaluated: 2024-07-23. Review status: criteria provided, single submitter. Criteria: Invitae Variant Classification Sherloc (09022015). Collection method: clinical testing. Allele origin: germline.
Comment: This sequence change replaces alanine, which is neutral and non-polar, with threonine, which is neutral and polar, at codon 1940 of the MED13L protein (p.Ala1940Thr). This variant is present in population databases (rs776586145, gnomAD 0.01%). This variant has not been reported in the literature in individuals affected with MED13L-related conditions. Advanced modeling of protein sequence and biophysical properties (such as structural, functional, and spatial information, amino acid conservation, physicochemical variation, residue mobility, and thermodynamic stability) performed at Invitae indicates that this missense variant is not expected to disrupt MED13L protein function with a negative predictive value of 80%. In summary, the available evidence is currently insufficient to determine the role of this variant in disease. Therefore, it has been classified as a Variant of Uncertain Significance.

NM_015335.5(MED13L):c.5818G>A (p.Ala1940Thr)

Gene: MED13L (mediator complex subunit 13L; minus strand). Cytogenetic location: 12q24.21.
Variant type: single nucleotide variant.
Coding change: c.5818G>A on transcript NM_015335.5 (MANE Select); coding-DNA position 5818, G replaced by A.
Protein change: p.Ala1940Thr; replaces alanine 1940 with threonine.
Molecular consequence: missense variant.
Genome position (GRCh38, 1-based): chr12:115,972,150, C>T on the plus strand (G>A on the coding strand, the complement: MED13L is on the minus strand). VCF-style: chr12-115972150-C-T. GRCh37 (hg19) VCF-style: chr12-116409955-C-T.
Other names: short protein forms A1940T.
Identifiers: ClinVar variation 3726956 (VCV003726956.1).